The following is an entry in ClinVar:

NM_178013.4(PRIMA1):c.352A>G (p.Ile118Val)

Gene: PRIMA1 (proline rich membrane anchor 1; minus strand). Cytogenetic location: 14q32.12.
Variant type: single nucleotide variant.
Coding change: c.352A>G on transcript NM_178013.4 (MANE Select); coding-DNA position 352, A replaced by G.
Protein change: p.Ile118Val; replaces isoleucine 118 with valine.
Molecular consequence: missense variant.
Genome position (GRCh38, 1-based): chr14:93,737,248, T>C on the plus strand (A>G on the coding strand, the complement: PRIMA1 is on the minus strand). VCF-style: chr14-93737248-T-C. GRCh37 (hg19) VCF-style: chr14-94203594-T-C.
Other names: short protein forms I118V.
Identifiers: ClinVar variation 950669 (VCV000950669.9), dbSNP rs2076155343, ClinGen allele CA390820927.

ClinVar aggregate classification (germline): Uncertain significance (1 of 4 stars; one submission).

Conditions:
Familial sleep-related hypermotor epilepsy. Also called: Autosomal Dominant Sleep-Related Hypermotor (Hyperkinetic) Epilepsy. Identifiers: Orphanet 98784, MedGen C3696898, MONDO:0000030.

Submission:

Labcorp Genetics (formerly Invitae), Labcorp
Classification: Uncertain significance for Familial sleep-related hypermotor epilepsy. Last evaluated: 2022-11-08. Review status: criteria provided, single submitter. Criteria: Invitae Variant Classification Sherloc (09022015). Collection method: clinical testing. Allele origin: germline.
Comment: In summary, the available evidence is currently insufficient to determine the role of this variant in disease. Therefore, it has been classified as a Variant of Uncertain Significance. Algorithms developed to predict the effect of missense changes on protein structure and function are either unavailable or do not agree on the potential impact of this missense change (SIFT: "Tolerated"; PolyPhen-2: "Probably Damaging"; Align-GVGD: "Class C0"). ClinVar contains an entry for this variant (Variation ID: 950669). This variant has not been reported in the literature in individuals affected with PRIMA1-related conditions. This variant is not present in population databases (gnomAD no frequency). This sequence change replaces isoleucine, which is neutral and non-polar, with valine, which is neutral and non-polar, at codon 118 of the PRIMA1 protein (p.Ile118Val).